The following is an entry in ClinVar:

ClinVar aggregate classification (germline): Pathogenic/Likely pathogenic. Review status: criteria provided, multiple submitters, no conflicts (2 of 4 stars). 32 submissions from 31 submitters: Pathogenic (27); Likely pathogenic (1). 4 of the submissions do not count toward it. Last evaluated 2026-04-08.

Conditions:
Hereditary persistence of fetal hemoglobin. Identifiers: MedGen C0019025, MONDO:0020989, OMIM 141749.
METHEMOGLOBINEMIA, BETA TYPE. Also called: Methemoglobinemia, beta-globin type. Identifiers: MedGen C1840779, OMIM 617971.
Malaria, susceptibility to. Identifiers: Orphanet 673, MedGen C1970028, MONDO:0021024, OMIM 611162.
Dominant beta-thalassemia. Also called: Beta-thalassemia, dominant inclusion body type. Identifiers: Orphanet 231226, Orphanet 848, MedGen C1858990, MONDO:0011381, OMIM 603902.
Beta-thalassemia HBB/LCRB. Identifiers: MedGen CN322236, MONDO:0013517, OMIM 613985.
Erythrocytosis, familial, 6. Also called: ERYTHROCYTOSIS, BETA-GLOBIN TYPE; POLYCYTHEMIA, BETA-GLOBIN TYPE. Identifiers: MedGen C4693822, MONDO:0054801, OMIM 617980.
Hb SS disease (SCD). Also called: Hemoglobin SS; Sickle cell anemia; Sickle cell disease; HbS disease; Hemoglobin S Disease; Sickling disorder due to hemoglobin S. Identifiers: Orphanet 232, Orphanet 275752, MedGen C0002895, MONDO:0011382, OMIM 603903.
Heinz body anemia. Also called: Heinz body hemolytic anemia. Identifiers: Orphanet 178330, MedGen C0700299, MONDO:0007705, OMIM 140700, HP:0005511.
alpha Thalassemia. Also called: Alpha thalassemia spectrum. Identifiers: Orphanet 846, MedGen C0002312, MONDO:0011399, OMIM 604131.
HBB-related disorder. Also called: HBB-related disorders; HBB-related condition. Identifiers: MedGen CN239378.
Inborn genetic diseases. Identifiers: MedGen C0950123, MeSH D030342.
Beta zero thalassemia. Identifiers: MedGen C0271980.
Fetal hemoglobin quantitative trait locus 1 (HBFQTL1). Identifiers: Orphanet 251380, MedGen C1841621.
beta Thalassemia (BTHAL). Also called: Cooley's anemia; Erythroblastic anemia; Mediterranean anemia. Identifiers: Orphanet 848, MedGen C0005283, MONDO:0019402. Disease mechanism: loss of function.

Submissions 1 to 11 of 32:

PreventionGenetics, part of Exact Sciences
Classification: Pathogenic for HBB-related condition. Last evaluated: 2026-04-08. Review status: criteria provided, single submitter. Criteria: ACMG Guidelines, 2015. Collection method: clinical testing. Allele origin: germline.
Comment: The HBB c.126_129delCTTT variant is predicted to result in a frameshift and premature protein termination (p.Phe42Leufs*19). This variant was reported in individuals with beta-thalassemia (see for example Kazazian et al. 1984. PubMed ID: 6714226; Lau et al. 1997. PubMed ID: 9113933; Lin et al. 2021. PubMed ID: 34271589; Chetruengchai et al. 2024. PubMed ID: 38167091). This variant is reported in 0.23% of alleles in individuals of East Asian descent in gnomAD. Frameshift variants in HBB are expected to be pathogenic. This variant is interpreted as pathogenic.

Department of Otolaryngology Head and Neck Surgery, Hainan Hospital of the Chinese People’s Liberation Army General Hospital
Classification: Pathogenic for Beta-thalassemia HBB/LCRB. Last evaluated: 2026-02-01. Review status: criteria provided, single submitter. Criteria: ACMG Guidelines, 2015. Collection method: clinical testing. Allele origin: germline. Affected: yes.
Comment: This variant is a 4-bp deletion (c.126_129del, p.Phe42fs) in the beta-globin gene (HBB), also known as the CD41-42 (-CTTT) or (-TTCT) mutation. This frameshift mutation creates a premature stop codon, resulting in a non-functional beta-globin protein and a β0-thalassemia phenotype. The CD41-42 mutation is one of the most prevalent beta-thalassemia mutations in China and Southeast Asia. It is particularly common in southern Chinese populations, including Guangdong and Guangxi. Individuals homozygous for this mutation or compound heterozygous with other beta-thalassemia mutations typically present with beta-thalassemia major, characterized by severe microcytic hypochromic anemia and transfusion dependency. Heterozygotes have a phenotype of beta-thalassemia trait, with mild microcytosis and elevated HbA2 levels. The classification of this variant as pathogenic is based on its well-established role in abolishing beta-globin chain synthesis, leading to the characteristic hematological features of beta-thalassemia.

Institute of Human Genetics, University of Leipzig Medical Center
Classification: Pathogenic for Dominant beta-thalassemia. Last evaluated: 2026-01-27. Review status: criteria provided, single submitter. Criteria: ACMG Guidelines, 2015. Collection method: clinical testing. Allele origin: unknown. Inheritance: Autosomal dominant inheritance. Affected: yes.
Comment: Criteria applied: PVS1,PM3_VSTR,PS4

Labcorp Genetics (formerly Invitae), Labcorp
Classification: Pathogenic. Last evaluated: 2026-01-20. Review status: criteria provided, single submitter. Criteria: Invitae Variant Classification Sherloc (09022015). Collection method: clinical testing. Allele origin: germline.
Comment: This sequence change creates a premature translational stop signal (p.Phe42Leufs*19) in the HBB gene. It is expected to result in an absent or disrupted protein product. Loss-of-function variants in HBB are known to be pathogenic (PMID: 23637309). This variant is present in population databases (rs281864900, gnomAD 0.2%). This premature translational stop signal has been observed in individuals with HBB-related conditions (PMID: 6826539, 25089872, 28635337). ClinVar contains an entry for this variant (Variation ID: 15417). For these reasons, this variant has been classified as Pathogenic.

Natera, Inc.
Classification: Pathogenic for Beta thalassemia. Last evaluated: 2025-11-22. Review status: criteria provided, single submitter. Criteria: Natera Variant Classification Schema (03/2026). Collection method: clinical testing. Allele origin: germline.
Comment: The c.126_129delCTTT variant in HBB is a frameshift variant predicted to shift the reading frame beginning at codon 42 and leads to a stop codon 19 codons downstream. This variant is expected to result in nonsense mediated decay, truncation, or a dysfunctional protein product. The frequency of this variant in the general population is greater than expected for disorder. This variant has been observed in one or more individuals affected with the associated recessive disease, as either homozygous or compound heterozygous with a second variant (PMID: 28671035). Given the available evidence, this variant is classified as Pathogenic.

Genesolutions, Medical Genetics Institutes, Ho Chi Minh City, Vietnam
Classification: Pathogenic for Beta-thalassemia HBB/LCRB. Last evaluated: 2025-09-24. Review status: criteria provided, single submitter. Criteria: ACMG Guidelines, 2015. Collection method: clinical testing. Allele origin: germline. Affected: yes.

ARUP Laboratories, Molecular Genetics and Genomics, ARUP Laboratories
Classification: Pathogenic. Last evaluated: 2025-07-28. Review status: criteria provided, single submitter. Criteria: ARUP Molecular Germline Variant Investigation Process 2024. Collection method: clinical testing. Allele origin: germline.
Comment: The HBB c.126_129del; p.Phe42LeufsTer19 variant (also known as Phe41fs when numbered from the mature protein or as codon 41/42-TTCT, rs80356821, HbVar ID: 849, ClinVar Variation ID: 15417) has been reported in the homozygous and compound heterozygous states in individuals affected with beta(0) thalassemia (see link to HbVar, Kimura 1983). This variant is observed in the general population at an overall frequency of 0.02% (73/282786 alleles) with increased frequency in the East Asian population (0.2%) in the Genome Aggregation Database (v2.1.1). This variant creates a frameshift by deleting 4 nucleotides, so it is predicted to result in a truncated protein or mRNA subject to nonsense-mediated decay. Based on available information, this variant is considered to be pathogenic. References: Link to HbVar: Kimura A et al. Structural analysis of a beta-thalassemia gene found in Taiwan. J Biol Chem. 1983 Mar 10;258(5):2748-9. PMID: 6826539.

First Genomix Gene Laboratory, Genetic Diagnostics Department
Classification: Pathogenic for Beta-thalassemia HBB/LCRB. Last evaluated: 2025-02-04. Review status: criteria provided, single submitter. Criteria: ACMG Guidelines, 2015. Collection method: clinical testing. Allele origin: germline. Inheritance: Autosomal recessive inheritance. Affected: no. Observed: 1 variant allele.

3billion
Classification: Pathogenic for Beta-thalassemia HBB/LCRB. Last evaluated: 2024-11-07. Review status: criteria provided, single submitter. Criteria: ACMG Guidelines, 2015. Collection method: clinical testing. Allele origin: germline. Affected: yes.
Comment: The variant is observed at an extremely low frequency in the gnomAD v4.1.0 dataset (total allele frequency: 0.009%). Predicted Consequence/Location: Frameshift: predicted to result in a loss or disruption of normal protein function through nonsense-mediated decay (NMD) or protein truncation. Multiple pathogenic variants are reported downstream of the variant. The variant has been reported at least twice as pathogenic with clinical assertions and evidence for the classification (ClinVar ID: VCV000015417 /PMID: 6826539 /3billion dataset). Therefore, this variant is classified as Pathogenic according to the recommendation of ACMG/AMP guideline.

Blueprint Genetics
Classification: Pathogenic for HBB-related disorders. Last evaluated: 2024-10-28. Review status: criteria provided, single submitter. Criteria: ACMG Guidelines, 2015. Collection method: clinical testing. Allele origin: germline. Affected: yes. Observed: 5 variant alleles.

Fulgent Genetics
Classification: Pathogenic for Heinz body anemia; Hereditary persistence of fetal hemoglobin; Dominant beta-thalassemia; Hb SS disease; Malaria, susceptibility to; Beta-thalassemia HBB/LCRB; METHEMOGLOBINEMIA, BETA TYPE; Erythrocytosis, familial, 6. Last evaluated: 2024-05-06. Review status: criteria provided, single submitter. Criteria: ACMG Guidelines, 2015. Collection method: clinical testing. Allele origin: germline.

NM_000518.5(HBB):c.126_129del (p.Phe42fs)

Genes: HBB (hemoglobin subunit beta; minus strand), LOC106099062 (HBB recombination region; plus strand), LOC107133510 (origin of replication at HBB; plus strand). Cytogenetic location: 11p15.4.
Variant type: Deletion.
Coding change: c.126_129del on transcript NM_000518.5 (MANE Select); coding-DNA positions 126 to 129, 4 bases deleted (CTTT; older notation c.126_129delCTTT).
Protein change: p.Phe42fs; shifts the reading frame from phenylalanine 42.
Molecular consequence: frameshift variant.
Genome position (GRCh38, 1-based): chr11:5,226,763-5,226,766, AAAG deleted on the plus strand (CTTT on the coding strand, the reverse complement: HBB is on the minus strand); deleting any 4 consecutive bases within chr11:5,226,763-5,226,768 gives the same sequence; the c. name uses the placement nearest the transcript's 3' end. VCF-style (leftmost placement, unchanged base first): chr11-5226762-CAAAG-C. GRCh37 (hg19) VCF-style: chr11-5247992-CAAAG-C.
Other names: 41/42-TTCT; CD 41/42 (-CTTT); CD-41/42; p.Phe42LeufsTer19; c.124_127delTTCT (NM_000518.4); c.124_127del (NM_000518.5); c.126_129delCTTT (NM_000518.5); short protein forms F42fs.
Identifiers: ClinVar variation 15417 (VCV000015417.144), dbSNP rs281864900, ClinGen allele CA125284.